The following is an entry in ClinVar:

ClinVar aggregate classification (germline): Pathogenic. Review status: criteria provided, multiple submitters, no conflicts (2 of 4 stars). 2 submissions from 2 submitters: Pathogenic (2). Last evaluated 2023-07-20.

Submissions (2):

GeneDx
Classification: Pathogenic. Last evaluated: 2023-07-20. Review status: criteria provided, single submitter. Criteria: GeneDx Variant Classification Process June 2021. Collection method: clinical testing. Allele origin: germline. Affected: yes.
Comment: Nonsense variant predicted to result in protein truncation or nonsense mediated decay in a gene for which loss of function is a known mechanism of disease; Not observed at significant frequency in large population cohorts (gnomAD); This variant is associated with the following publications: (PMID: 33596411)

Tartaglia Lab, Genetics and Rare Diseases Research Division, Bambino Gesu' Children's Hospital
Classification: Pathogenic. Last evaluated: 2020-12-03. Review status: criteria provided, single submitter. Criteria: ACMG Guidelines, 2015. Collection method: research. Allele origin: de novo. Affected: yes. Observed: 1 variant allele.

NM_015001.3(SPEN):c.7024C>T (p.Arg2342Ter)

Gene: SPEN (spen family transcriptional repressor; plus strand). Cytogenetic location: 1p36.13.
Variant type: single nucleotide variant.
Coding change: c.7024C>T on transcript NM_015001.3 (MANE Select); coding-DNA position 7024, C replaced by T.
Protein change: p.Arg2342Ter; replaces arginine 2342 with a stop codon.
Molecular consequence: nonsense.
Genome position (GRCh38, 1-based): chr1:15,933,264, C>T. VCF-style: chr1-15933264-C-T. GRCh37 (hg19) VCF-style: chr1-16259759-C-T.
Other names: short protein forms R2342*.
Identifiers: ClinVar variation 992615 (VCV000992615.3), dbSNP rs2148741614, ClinGen allele CA338639283.
Genomic context (GRCh38, chr1:15,933,264, plus strand): 5'-GAAGTCACTCTTGTTCGGAAAGACAAAGGGCGCCAGAAAACAACCCGATCACGCCGCAAG[C>T]GAAACACAAACAAGAAAGTGGTGGCTCCTGTAGAGAGCCATGTCCCTGAATCCAACCAAG-3'